The following is an entry in ClinVar:

ClinVar aggregate classification (germline): Pathogenic. Review status: reviewed by expert panel (3 of 4 stars). 9 submissions from 9 submitters: Pathogenic (1). 8 of the submissions do not count toward it. Last evaluated 2016-10-18.

Conditions:
Hereditary breast ovarian cancer syndrome. Also called: Hereditary breast and ovarian cancer syndrome; Hereditary breast and ovarian cancer; Hereditary breast and ovarian cancer syndrome (HBOC); Breast and ovarian cancer; Hereditary breast and/or ovarian cancer syndrome; BRCA1- and BRCA2-Associated Hereditary Breast and Ovarian Cancer. Identifiers: Orphanet 145, MedGen C0677776, MeSH D061325, MONDO:0003582. Disease mechanism: loss of function.
Familial cancer of breast. Also called: BREAST CANCER, FAMILIAL; Hereditary breast cancer; hereditary breast carcinoma. Identifiers: Orphanet 227535, MedGen C0346153, MONDO:0016419, OMIM 114480. Disease mechanism: loss of function.
Breast-ovarian cancer, familial, susceptibility to, 2 (BROVCA2). Also called: BRCA2 Hereditary Breast and Ovarian Cancer. Identifiers: Orphanet 145, MedGen C2675520, MONDO:0012933, OMIM 612555. Disease mechanism: loss of function.
Breast neoplasm. Also called: Neoplasm of breast; Breast tumor; Neoplasm of the breast; Breast Neoplasms. Identifiers: MedGen C1458155, MeSH D001943, MONDO:0021100, HP:0100013. Disease mechanism: gain of function.
Hereditary cancer-predisposing syndrome. Also called: Neoplastic Syndromes, Hereditary; Tumor predisposition; Hereditary Cancer Syndrome; Hereditary neoplastic syndrome. Identifiers: Orphanet 140162, MedGen C0027672, MeSH D009386, MONDO:0015356.

Submissions (9):

Evidence-based Network for the Interpretation of Germline Mutant Alleles (ENIGMA)
Classification: Pathogenic for Breast-ovarian cancer, familial, susceptibility to, 2. Last evaluated: 2016-10-18. Review status: reviewed by expert panel. Criteria: ENIGMA BRCA1/2 Classification Criteria (2015). Collection method: curation. Allele origin: germline.
Comment: Variant allele predicted to encode a truncated non-functional protein.

Labcorp Genetics (formerly Invitae), Labcorp
Classification: Pathogenic for Hereditary breast ovarian cancer syndrome. Last evaluated: 2025-03-13. Review status: criteria provided, single submitter. Criteria: Invitae Variant Classification Sherloc (09022015). Collection method: clinical testing. Allele origin: germline. Not counted in ClinVar's aggregate classification.
Comment: This sequence change creates a premature translational stop signal (p.Tyr949Metfs*11) in the BRCA2 gene. It is expected to result in an absent or disrupted protein product. Loss-of-function variants in BRCA2 are known to be pathogenic (PMID: 20104584). This variant is not present in population databases (gnomAD no frequency). This premature translational stop signal has been observed in individual(s) with breast and/or ovarian cancer (PMID: 10323242, 29907814). This variant is also known as c.3073delT. ClinVar contains an entry for this variant (Variation ID: 51359). For these reasons, this variant has been classified as Pathogenic.

Baylor Genetics
Classification: Pathogenic for Familial cancer of breast. Last evaluated: 2024-02-02. Review status: criteria provided, single submitter. Criteria: ACMG Guidelines, 2015. Collection method: clinical testing. Allele origin: unknown. Not counted in ClinVar's aggregate classification.

Women's Health and Genetics/Laboratory Corporation of America, LabCorp
Classification: Pathogenic for Hereditary breast ovarian cancer syndrome. Last evaluated: 2023-04-17. Review status: criteria provided, single submitter. Criteria: LabCorp Variant Classification Summary - May 2015. Collection method: clinical testing. Allele origin: germline. Not counted in ClinVar's aggregate classification.
Comment: Variant summary: BRCA2 c.2845delT (p.Tyr949MetfsX11) results in a premature termination codon, predicted to cause a truncation of the encoded protein or absence of the protein due to nonsense mediated decay, which are commonly known mechanisms for disease. Truncations downstream of this position have been classified as pathogenic by our laboratory. The variant was absent in 250504 control chromosomes. c.2845delT has been reported in the literature in individuals affected with Hereditary Breast And Ovarian Cancer Syndrome (e.g., Li_1999, Palmero_2018, Lang_2017). These data indicate that the variant is likely be associated with disease. To our knowledge, no experimental evidence demonstrating an impact on protein function has been reported. Six ClinVar submitters (evaluation after 2014) have cited the variant, and all laboratories classified the variant as pathogenic. Based on the evidence outlined above, the variant was classified as pathogenic.

Quest Diagnostics Nichols Institute San Juan Capistrano
Classification: Pathogenic. Last evaluated: 2022-12-12. Review status: criteria provided, single submitter. Criteria: Quest Diagnostics criteria. Collection method: clinical testing. Allele origin: unknown. Not counted in ClinVar's aggregate classification.
Comment: This frameshift variant alters the translational reading frame of the BRCA2 mRNA and causes the premature termination of BRCA2 protein synthesis. This variant has not been reported in large, multi-ethnic general populations. In the published literature, the variant has been reported in individuals with breast cancer (PMIDs: 10323242 (1999) and 28294317 (2017)), in an individual with prostate cancer (PMID: 32190957 (2020)), and in individuals with suspected breast and/or ovarian cancer (PMIDs: 29907814 (2018) and 29446198 (2018)). Based on the available information, this variant is classified as pathogenic.

Color Diagnostics, LLC DBA Color Health
Classification: Pathogenic for Hereditary cancer-predisposing syndrome. Last evaluated: 2020-01-15. Review status: criteria provided, single submitter. Criteria: ACMG Guidelines, 2015. Collection method: clinical testing. Allele origin: germline. Not counted in ClinVar's aggregate classification.
Comment: This variant deletes 1 nucleotide in exon 11 of the BRCA2 gene, creating a frameshift and premature translation stop signal. This variant is expected to result in an absent or non-functional protein product. This variant has not been identified in the general population by the Genome Aggregation Database (gnomAD). Loss of BRCA2 function is a known mechanism of disease. Based on the available evidence, this variant is classified as Pathogenic.

Consortium of Investigators of Modifiers of BRCA1/2 (CIMBA), c/o University of Cambridge
Classification: Pathogenic for Breast-ovarian cancer, familial, susceptibility to, 2. Last evaluated: 2015-10-02. Review status: criteria provided, single submitter. Criteria: CIMBA Mutation Classification guidelines May 2016. Collection method: clinical testing. Allele origin: germline. Not counted in ClinVar's aggregate classification.

GeneDx
Classification: Pathogenic. Last evaluated: 2015-06-23. Review status: criteria provided, single submitter. Criteria: GeneDx Variant Classification (06012015). Collection method: clinical testing. Allele origin: germline. Affected: yes. Not counted in ClinVar's aggregate classification.
Comment: This deletion of one nucleotide in BRCA2 is denoted c.2845delT at the cDNA level and p.Tyr949MetfsX11 (Y949MfsX11) at the protein level. The normal sequence, with the base that is deleted in braces, is GGTT[T]ATGT. The deletion causes a frameshift, which changes a Tyrosine to a Methionine at codon 949, and creates a premature stop codon at position 11 of the new reading frame. This variant is predicted to cause loss of normal protein function through either protein truncation or nonsense-mediated mRNA decay. BRCA2 c.2845delT, previously reported as 3073delT, has been observed in at least one woman with a personal and family history of breast cancer (Li 1999). we consider this variant to be pathogenic.

3DMed Clinical Laboratory Inc
Classification: Pathogenic for Neoplasm of the breast. Last evaluated: 2018-05-21. Review status: no assertion criteria provided. Criteria: ACMG Guidelines, 2015. Collection method: clinical testing. Allele origin: germline. Affected: yes. Not counted in ClinVar's aggregate classification.

Literature cited by the submitters: PubMed 20104584 (cited by Labcorp Genetics (formerly Invitae), Labcorp); PubMed 10323242 (cited by 3 submitters); PubMed 29907814 (cited by 3 submitters); PubMed 28294317 (cited by Women's Health and Genetics/Laboratory Corporation of America, LabCorp and Quest Diagnostics Nichols Institute San Juan Capistrano); PubMed 30702160 (cited by Quest Diagnostics Nichols Institute San Juan Capistrano); PubMed 31209999 (cited by Quest Diagnostics Nichols Institute San Juan Capistrano); PubMed 32190957 (cited by Quest Diagnostics Nichols Institute San Juan Capistrano); PubMed 29446198 (cited by Quest Diagnostics Nichols Institute San Juan Capistrano); PubMed 31825140 (cited by Quest Diagnostics Nichols Institute San Juan Capistrano).

NM_000059.4(BRCA2):c.2845del (p.Tyr949fs)

Gene: BRCA2 (BRCA2 DNA repair associated; plus strand). Cytogenetic location: 13q13.1.
Variant type: Deletion.
Coding change: c.2845del on transcript NM_000059.4 (MANE Select); coding-DNA position 2845, one base deleted (T; older notation c.2845delT).
Protein change: p.Tyr949fs; shifts the reading frame from tyrosine 949.
Molecular consequence: frameshift variant.
Genome position (GRCh38, 1-based): chr13:32,337,200, T deleted; the last of 3 consecutive T bases (chr13:32,337,198-32,337,200); deleting any one gives the same sequence. VCF-style (leftmost placement, unchanged base first): chr13-32337197-GT-G. GRCh37 (hg19) VCF-style: chr13-32911334-GT-G.
Other names: 3073delT; c.2845delT (NM_000059.3).
Identifiers: ClinVar variation 51359 (VCV000051359.18), dbSNP rs397507644, ClinGen allele CA016612.
Genomic context (GRCh38, chr13:32,337,197, plus strand): 5'-GTTTTATATGGAGACACAGGTGATAAACAAGCAACCCAAGTGTCAATTAAAAAAGATTTG[GT>G]TTATGTTCTTGCAGAGGAGAACAAAAATAGTGTAAAGCAGCATATAAAAATGACTCTAGG-3'